The following is an entry in ClinVar:

Conditions:
Breast-ovarian cancer, familial, susceptibility to, 1 (BROVCA1). Also called: BRCA1 Hereditary Breast and Ovarian Cancer; OVARIAN CANCER, SUSCEPTIBILITY TO. Identifiers: Orphanet 145, MedGen C2676676, MONDO:0011450, OMIM 604370. Disease mechanism: loss of function.

Submission:

Brotman Baty Institute, University of Washington
No classification provided (evidence only). Condition: Breast-ovarian cancer, familial 1. Review status: no classification provided. Collection method: in vitro. Allele origin: not applicable. Functional consequence: functionally_normal.
ClinVar note: "not provided" was previously submitted as the classification for the variant. However, the classification appeared to be based only on an observation of functional data so it was converted to no classification on 2025-07-30.

NM_007294.4(BRCA1):c.5018A>T (p.His1673Leu)

Gene: BRCA1 (BRCA1 DNA repair associated; minus strand). Cytogenetic location: 17q21.31.
Variant type: single nucleotide variant.
Coding change: c.5018A>T on transcript NM_007294.4 (MANE Select); coding-DNA position 5018, A replaced by T.
Protein change: p.His1673Leu; replaces histidine 1673 with leucine.
Molecular consequence: missense variant. On other transcripts: non-coding transcript variant (1).
Genome position (GRCh38, 1-based): chr17:43,067,664, T>A on the plus strand (A>T on the coding strand, the complement: BRCA1 is on the minus strand). VCF-style: chr17-43067664-T-A. GRCh37 (hg19) VCF-style: chr17-41219681-T-A.
Other names: c.4805A>T, p.His1602Leu (NM_001407571.1, NM_001407894.1, NM_001407895.1 and 12 more transcripts); c.5084A>T, p.His1695Leu (NM_001407581.1, NM_001407582.1); c.5081A>T, p.His1694Leu (NM_001407583.1, NM_001407585.1, NM_001407587.1 and 1 more transcripts); c.5078A>T, p.His1693Leu (NM_001407590.1, NM_001407591.1); c.5018A>T, p.His1673Leu (NM_001407593.1, NM_001407594.1, NM_001407596.1 and 8 more transcripts); c.5015A>T, p.His1672Leu (NM_001407616.1, NM_001407617.1, NM_001407618.1 and 17 more transcripts); c.5012A>T, p.His1671Leu (NM_001407635.1, NM_001407636.1, NM_001407637.1 and 14 more transcripts); c.5009A>T, p.His1670Leu (NM_001407644.1, NM_001407645.1); and 70 more; short protein forms H569L, H1694L, H1626L, H1673L, H1560L, H1584L, H1624L, H1631L.
Identifiers: ClinVar variation 865539 (VCV000865539.3), dbSNP rs1064793913, ClinGen allele CA10591479.